The following is an entry in ClinVar:

ClinVar aggregate classification (germline): Conflicting classifications of pathogenicity. Review status: criteria provided, conflicting classifications (1 of 4 stars). 5 submissions from 5 submitters: Uncertain significance (2); Likely benign (1). 2 of the submissions do not count toward it. Last evaluated 2025-10-21.

Conditions:
TCF3-related disorder. Also called: TCF3-related condition.
Agammaglobulinemia 8b, autosomal recessive. Also called: AGAMMAGLOBULINEMIA, AUTOSOMAL RECESSIVE, DUE TO TCF3 DEFECT. Identifiers: MedGen C5676958, MONDO:0859234, OMIM 619824.
Agammaglobulinemia 8, autosomal dominant (AGM8A). Also called: AGAMMAGLOBULINEMIA 8A, AUTOSOMAL DOMINANT; AGAMMAGLOBULINEMIA, AUTOSOMAL DOMINANT, DUE TO TCF3 DEFECT. Identifiers: MedGen C4310786, MONDO:0014840, OMIM 616941.

Allele frequency attached by ClinVar (database versions not stated): gnomAD 0.00006 and 0.00009; TOPMed 0.00007; ESP Exome Variant Server 0.00008; gnomAD exomes 0.00008; ExAC 0.00011.
gnomAD v4.1: 140 of 1,613,040 alleles (0.0087%); highest among the groups gnomAD compares: Middle Eastern, 0.05%; no homozygotes.

Submissions (5):

Labcorp Genetics (formerly Invitae), Labcorp
Classification: Uncertain significance. Last evaluated: 2025-10-21. Review status: criteria provided, single submitter. Criteria: Invitae Variant Classification Sherloc (09022015). Collection method: clinical testing. Allele origin: germline.
Comment: This sequence change replaces serine, which is neutral and polar, with leucine, which is neutral and non-polar, at codon 514 of the TCF3 protein (p.Ser514Leu). This variant is present in population databases (rs372168347, gnomAD 0.01%). This missense change has been observed in individual(s) with agammaglobulinemia and/or B cell acute lymphoblastic leukemia (PMID: 34618307, 37129918). This variant is also known as c.1388C>T. ClinVar contains an entry for this variant (Variation ID: 1050473). Invitae Evidence Modeling of protein sequence and biophysical properties (such as structural, functional, and spatial information, amino acid conservation, physicochemical variation, residue mobility, and thermodynamic stability) indicates that this missense variant is not expected to disrupt TCF3 protein function with a negative predictive value of 80%. In summary, the available evidence is currently insufficient to determine the role of this variant in disease. Therefore, it has been classified as a Variant of Uncertain Significance.

Blueprint Genetics
Classification: Likely benign. Last evaluated: 2024-11-28. Review status: criteria provided, single submitter. Criteria: ACMG Guidelines, 2015. Collection method: clinical testing. Allele origin: germline.

Fulgent Genetics
Classification: Uncertain significance for Agammaglobulinemia 8, autosomal dominant; Agammaglobulinemia 8b, autosomal recessive. Last evaluated: 2022-04-14. Review status: criteria provided, single submitter. Criteria: ACMG Guidelines, 2015. Collection method: clinical testing. Allele origin: unknown.

PreventionGenetics, part of Exact Sciences
Classification: Uncertain significance for TCF3-related condition. Last evaluated: 2024-01-31. Review status: no assertion criteria provided. Collection method: clinical testing. Allele origin: germline. Not counted in ClinVar's aggregate classification.
Comment: The TCF3 c.1541C>T variant is predicted to result in the amino acid substitution p.Ser514Leu. This variant was reported in a study of individuals with primary antibody deficiencies, although pathogenicity was not conclusively established (Firtina et al. 2021. PubMed ID: 34618307). This variant is reported in 0.013% of alleles in individuals of South Asian descent in gnomAD. At this time, the clinical significance of this variant is uncertain due to the absence of conclusive functional and genetic evidence.

Department of Pathology and Laboratory Medicine, Sinai Health System
Classification: Uncertain significance. Review status: no assertion criteria provided. Collection method: clinical testing. Allele origin: unknown. Affected: yes. Study: The Canadian Open Genetics Repository (COGR). Not counted in ClinVar's aggregate classification.
Comment: The TCF3 p.Ser514Leu variant was not identified in the literature nor was it identified in ClinVar, Cosmic or LOVD 3.0. The variant was identified in dbSNP (ID: rs372168347) and in control databases in 1 of 31366 chromosomes at a frequency of 0.000032 (Genome Aggregation Database Feb 27, 2017) and was observed in the following population: East Asian in 1 of 1560 chromosomes (freq: 0.000641), while the variant was not observed in the African, Latino, Ashkenazi Jewish, European (Finnish), European (non-Finnish), Other and South Asian populations. The variant occurs outside of the splicing consensus sequence and 3 of 4 in silico or computational prediction software programs (MaxEntScan, NNSPLICE, GeneSplicer) do not predict a difference in splicing. The p.Ser514 residue is not conserved in mammals and computational analyses (PolyPhen-2, SIFT, AlignGVGD, BLOSUM, MutationTaster) provide inconsistent predictions regarding the impact to the protein; this information is not very predictive of pathogenicity. In summary, based on the above information the clinical significance of this variant cannot be determined with certainty at this time. This variant is classified as a variant of uncertain significance.

Literature cited by the submitters: PubMed 34618307 (cited by Labcorp Genetics (formerly Invitae), Labcorp); PubMed 37129918 (cited by Labcorp Genetics (formerly Invitae), Labcorp).

NM_003200.5(TCF3):c.1541C>T (p.Ser514Leu)

Gene: TCF3 (transcription factor 3; minus strand). Cytogenetic location: 19p13.3.
Variant type: single nucleotide variant.
Coding change: c.1541C>T on transcript NM_003200.5 (MANE Select); coding-DNA position 1541, C replaced by T.
Protein change: p.Ser514Leu; replaces serine 514 with leucine.
Molecular consequence: missense variant.
Genome position (GRCh38, 1-based): chr19:1,615,731, G>A on the plus strand (C>T on the coding strand, the complement: TCF3 is on the minus strand). VCF-style: chr19-1615731-G-A. GRCh37 (hg19) VCF-style: chr19-1615730-G-A.
Other names: c.1541C>T, p.Ser514Leu (NM_001136139.4, NM_001351779.2); c.1538C>T, p.Ser513Leu (NM_001351778.2); c.1541C>T (NM_003200.3); short protein forms S513L, S514L.
Identifiers: ClinVar variation 1050473 (VCV001050473.11), dbSNP rs372168347, ClinGen allele CA9049773.
Genomic context (GRCh38, chr19:1,615,731, plus strand): 5'-GGGGTGGGTTGGCACCTGGTCCGGGCCCGGGGGGCCTTCAGCTCCTTCTTCTCCTCCTCC[G>A]AGTGGTCAGCCGCTGACGTGTTCTCCTCGTCCTCCTTCTCCTCCCGCTTGATCTCGCTGG-3'
Protein context (NP_003191.1, residues 504-524): DEENTSAADH[Ser514Leu]EEEKKELKAP